The following is an entry in ClinVar:

NM_015512.5(DNAH1):c.442C>T (p.Arg148Cys)

Gene: DNAH1 (dynein axonemal heavy chain 1; plus strand). Cytogenetic location: 3p21.1.
Variant type: single nucleotide variant.
Coding change: c.442C>T on transcript NM_015512.5 (MANE Select); coding-DNA position 442, C replaced by T.
Protein change: p.Arg148Cys; replaces arginine 148 with cysteine.
Molecular consequence: missense variant.
Genome position (GRCh38, 1-based): chr3:52,326,175, C>T. VCF-style: chr3-52326175-C-T. GRCh37 (hg19) VCF-style: chr3-52360191-C-T.
Other names: short protein forms R148C.
Identifiers: ClinVar variation 1040469 (VCV001040469.3), dbSNP rs1438410477, ClinGen allele CA353087000.

ClinVar aggregate classification (germline): Uncertain significance (1 of 4 stars; one submission).

Conditions:
Ciliary dyskinesia, primary, 37 (CILD37). Also called: CILIARY DYSKINESIA, PRIMARY, 37, WITH OR WITHOUT SITUS INVERSUS. Identifiers: MedGen C4539798, MONDO:0033204, OMIM 617577.
Spermatogenic failure 18. Identifiers: MedGen C4539783, MONDO:0054615, OMIM 617576.

Allele frequency attached by ClinVar (database versions not stated): gnomAD 0.00001 and 0.00002; gnomAD exomes 0.00001 and 0.00002; TOPMed 0.00001.
gnomAD v4.1: 27 of 1,611,954 alleles (0.0017%); highest among the groups gnomAD compares: Middle Eastern, 0.066%; no homozygotes.

Submission:

Labcorp Genetics (formerly Invitae), Labcorp
Classification: Uncertain significance for Ciliary dyskinesia, primary, 37; Spermatogenic failure 18. Last evaluated: 2023-08-10. Review status: criteria provided, single submitter. Criteria: Invitae Variant Classification Sherloc (09022015). Collection method: clinical testing. Allele origin: germline.
Comment: This sequence change replaces arginine, which is basic and polar, with cysteine, which is neutral and slightly polar, at codon 148 of the DNAH1 protein (p.Arg148Cys). This variant is present in population databases (no rsID available, gnomAD 0.006%). This missense change has been observed in individual(s) with kartagener syndrome (PMID: 31507630). ClinVar contains an entry for this variant (Variation ID: 1040469). Algorithms developed to predict the effect of missense changes on protein structure and function output the following: SIFT: "Not Available"; PolyPhen-2: "Benign"; Align-GVGD: "Not Available". The cysteine amino acid residue is found in multiple mammalian species, which suggests that this missense change does not adversely affect protein function. In summary, the available evidence is currently insufficient to determine the role of this variant in disease. Therefore, it has been classified as a Variant of Uncertain Significance.

Literature cited by the submitters: PubMed 31507630.